The following is an entry in ClinVar:

ClinVar aggregate classification (germline): Pathogenic (1 of 4 stars; one submission).

Submission:

GeneDx
Classification: Pathogenic. Last evaluated: 2019-03-15. Review status: criteria provided, single submitter. Criteria: GeneDx Variant Classification (06012015). Collection method: clinical testing. Allele origin: germline. Affected: yes.
Comment: The E565X variant in the ZEB1 gene has not been reported previously as a pathogenic variant nor as a benign variant, to our knowledge. This variant is predicted to cause loss of normal protein function either through protein truncation or nonsense-mediated mRNA decay. The E565X variant is not observed in large population cohorts (Lek et al., 2016). We interpret E565X as a pathogenic variant

NM_001174096.2(ZEB1):c.1696G>T (p.Glu566Ter)

Gene: ZEB1 (zinc finger E-box binding homeobox 1; plus strand). Cytogenetic location: 10p11.22.
Variant type: single nucleotide variant.
Coding change: c.1696G>T on transcript NM_001174096.2 (MANE Select); coding-DNA position 1696, G replaced by T.
Protein change: p.Glu566Ter; replaces glutamic acid 566 with a stop codon.
Molecular consequence: nonsense.
Genome position (GRCh38, 1-based): chr10:31,521,028, G>T. VCF-style: chr10-31521028-G-T. GRCh37 (hg19) VCF-style: chr10-31809956-G-T.
Other names: c.1645G>T, p.Glu549Ter (NM_001128128.3); c.1633G>T, p.Glu545Ter (NM_001174093.2); c.1642G>T, p.Glu548Ter (NM_001174094.2); c.1492G>T, p.Glu498Ter (NM_001174095.2); c.1039G>T, p.Glu347Ter (NM_001323638.2, NM_001323641.2, NM_001323642.2 and 27 more transcripts); c.1471G>T, p.Glu491Ter (NM_001323674.2); c.1429G>T, p.Glu477Ter (NM_001323675.2); c.1654G>T, p.Glu552Ter (NM_001323676.2); and 3 more; short protein forms E498*, E545*, E565*, E566*, E477*, E491*, E347*, E474*.
Identifiers: ClinVar variation 817540 (VCV000817540.1), dbSNP rs1592090713, ClinGen allele CA376448371.
Genomic context (GRCh38, chr10:31,521,028, plus strand): 5'-CCAGAATTAAAGCACTATGACCTAAAGCAGCCTACTCAGCCTCCTCCACTCCCTGCAGCA[G>T]AAGCTGAGAAGCCTGAGTCCTCTGTTTCATCAGCTACTGGAGATGGCAATTTGTCTCCTA-3'